The following is an entry in ClinVar:

NM_007327.4(GRIN1):c.2485T>G (p.Phe829Val)

Gene: GRIN1 (glutamate ionotropic receptor NMDA type subunit 1; plus strand). Cytogenetic location: 9q34.3.
Variant type: single nucleotide variant.
Coding change: c.2485T>G on transcript NM_007327.4 (MANE Select); coding-DNA position 2485, T replaced by G.
Protein change: p.Phe829Val; replaces phenylalanine 829 with valine.
Molecular consequence: missense variant.
Genome position (GRCh38, 1-based): chr9:137,163,800, T>G. VCF-style: chr9-137163800-T-G. GRCh37 (hg19) VCF-style: chr9-140058252-T-G.
Other names: c.2485T>G, p.Phe829Val (NM_000832.7, NM_021569.4); c.2548T>G, p.Phe850Val (NM_001185090.2, NM_001185091.2, NM_001437330.1 and 1 more transcripts); short protein forms F829V, F850V.
Identifiers: ClinVar variation 4537771 (VCV004537771.1).

ClinVar aggregate classification (germline): Uncertain significance (1 of 4 stars; one submission).

Submission:

GeneDx
Classification: Uncertain significance. Last evaluated: 2025-06-12. Review status: criteria provided, single submitter. Criteria: GeneDx Variant Classification Process June 2021. Collection method: clinical testing. Allele origin: germline. Affected: yes.
Comment: Not observed at significant frequency in large population cohorts (gnomAD); In silico analysis suggests that this missense variant does not alter protein structure/function; Has not been previously published as pathogenic or benign to our knowledge; This variant is associated with the following publications: (PMID: 27164704)